The following is an entry in ClinVar:

NM_000404.4(GLB1):c.733+2T>C

Gene: GLB1 (galactosidase beta 1; minus strand). Cytogenetic location: 3p22.3.
Variant type: single nucleotide variant.
Coding change: c.733+2T>C on transcript NM_000404.4 (MANE Select); the canonical splice donor site of the intron after coding-DNA position 733, T replaced by C.
Molecular consequence: splice donor variant. On other transcripts: intron variant (1).
Genome position (GRCh38, 1-based): chr3:33,058,087, A>G on the plus strand (T>C on the coding strand, the complement: GLB1 is on the minus strand). VCF-style: chr3-33058087-A-G. GRCh37 (hg19) VCF-style: chr3-33099579-A-G.
Other names: c.733+2T>C (NM_001393580.1); c.341-4538T>C (NM_001135602.3); c.877+2T>C (NM_001317040.2); c.643+2T>C (NM_001079811.3).
Identifiers: ClinVar variation 987846 (VCV000987846.5), dbSNP rs1699291583, ClinGen allele CA352003846.
Genomic context (GRCh38, chr3:33,058,087, plus strand): 5'-GAGCAACTGACTGAGTAAAAAGCTGATTTTAAGCTGCAATTTCTGTTACTACAAACACCA[A>G]CCTGTTCCAAAGTCCACCGTGGTGTAGAGGCCCTGCAGGGCCCCACATTTCAGGAATGTT-3'

ClinVar aggregate classification (germline): Pathogenic/Likely pathogenic. Review status: criteria provided, multiple submitters, no conflicts (2 of 4 stars). 3 submissions from 3 submitters: Pathogenic (2); Likely pathogenic (1). Last evaluated 2025-10-21.

Conditions:
Mucopolysaccharidosis, MPS-IV-B (MPS4B). Also called: Mucopolysaccharidosis type IV B; Mucopolysaccharidosis Type IVB (Morquio B Disease); MORQUIO SYNDROME B; Mucopolysaccharidosis type 4B; Mucopolysaccharidosis Type IVB; Mucopolysaccharidosis type IVB (Morquio). Identifiers: Orphanet 309310, Orphanet 582, MedGen C0086652, MONDO:0009660, OMIM 253010.
GM1 gangliosidosis. Identifiers: Orphanet 354, MedGen C0085131, MONDO:0018149.

Submissions (3):

Natera, Inc.
Classification: Pathogenic for Mucopolysaccharidosis, MPS-IV-B. Last evaluated: 2025-10-21. Review status: criteria provided, single submitter. Criteria: Natera Variant Classification Schema (03/2026). Collection method: clinical testing. Allele origin: germline.
Comment: The c.733+2T>C variant in GLB1 is a canonical splice donor site variant predicted to affect pre-mRNA splicing, which may result in an abnormal transcript and altered protein product. This variant is expected to result in nonsense mediated decay, truncation, or a dysfunctional protein product. This variant is rare in the general population with a frequency below the threshold expected for the associated phenotype(s). This variant has been observed in one or more individuals affected with the associated recessive disease, as either homozygous or compound heterozygous with a second variant (PMID: 15714521). Given the available evidence, this variant is classified as Pathogenic.

Labcorp Genetics (formerly Invitae), Labcorp
Classification: Pathogenic for Mucopolysaccharidosis, MPS-IV-B; GM1 gangliosidosis. Last evaluated: 2023-12-11. Review status: criteria provided, single submitter. Criteria: Invitae Variant Classification Sherloc (09022015). Collection method: clinical testing. Allele origin: germline.
Comment: This sequence change affects a donor splice site in intron 6 of the GLB1 gene. It is expected to disrupt RNA splicing. Variants that disrupt the donor or acceptor splice site typically lead to a loss of protein function (PMID: 16199547), and loss-of-function variants in GLB1 are known to be pathogenic (PMID: 18524657). This variant is not present in population databases (gnomAD no frequency). Disruption of this splice site has been observed in individual(s) with GM1-gangliosidosis (PMID: 15714521). ClinVar contains an entry for this variant (Variation ID: 987846). Algorithms developed to predict the effect of sequence changes on RNA splicing suggest that this variant may disrupt the consensus splice site. For these reasons, this variant has been classified as Pathogenic.

Women's Health and Genetics/Laboratory Corporation of America, LabCorp
Classification: Likely pathogenic for Mucopolysaccharidosis, MPS-IV-B. Last evaluated: 2020-11-09. Review status: criteria provided, single submitter. Criteria: LabCorp Variant Classification Summary - May 2015. Collection method: clinical testing. Allele origin: germline.
Comment: Variant summary: GLB1 c.733+2T>C is located in a canonical splice-site and is predicted to affect mRNA splicing resulting in a significantly altered protein due to either exon skipping, shortening, or inclusion of intronic material. Several computational tools predict a significant impact on normal splicing: Three predict the variant abolishes a 5' splicing donor site. One predict the variant weakens a 5' donor site. However, these predictions have yet to be confirmed by variant specific functional studies. The variant was absent in 249212 control chromosomes. c.733+2T>C has been reported in the literature in at-least one individual affected with GM1 Gangliosidosis, Mucopolysaccharidosis Type IVB (Morquio Syndrome B) and has been subsequently cited by others in the setting of development of pharmacological chaperones for Mucopolysaccharidoses (example, Caciotti_2005, Losada Diaz_2020). To our knowledge, no variant specific experimental evidence demonstrating an impact on protein function has been reported. No clinical diagnostic laboratories have submitted clinical-significance assessments for this variant to ClinVar after 2014. Based on the evidence outlined above, the variant was classified as likely pathogenic.

Literature cited by the submitters: PubMed 15714521 (cited by 3 submitters); PubMed 16199547 (cited by Labcorp Genetics (formerly Invitae), Labcorp); PubMed 18524657 (cited by Labcorp Genetics (formerly Invitae), Labcorp); PubMed 31905715 (cited by Women's Health and Genetics/Laboratory Corporation of America, LabCorp).